The following is an entry in ClinVar:

NM_001267550.2(TTN):c.66753T>G (p.Tyr22251Ter)

Genes: TTN (titin; minus strand), TTN-AS1 (TTN antisense RNA 1; plus strand). Cytogenetic location: 2q31.2.
Variant type: single nucleotide variant.
Coding change: c.66753T>G on transcript NM_001267550.2 (MANE Select); coding-DNA position 66753, T replaced by G.
Protein change: p.Tyr22251Ter; replaces tyrosine 22251 with a stop codon.
Molecular consequence: nonsense.
Genome position (GRCh38, 1-based): chr2:178,581,515, A>C on the plus strand (T>G on the coding strand, the complement: TTN is on the minus strand). VCF-style: chr2-178581515-A-C. GRCh37 (hg19) VCF-style: chr2-179446242-A-C.
Other names: c.61830T>G, p.Tyr20610Ter (NM_001256850.1); c.39558T>G, p.Tyr13186Ter (NM_003319.4); c.59049T>G, p.Tyr19683Ter (NM_133378.4); c.39933T>G, p.Tyr13311Ter (NM_133432.3); c.40134T>G, p.Tyr13378Ter (NM_133437.4); short protein forms Y13186*, Y13311*, Y13378*, Y19683*, Y20610*, Y22251*.
Identifiers: ClinVar variation 992763 (VCV000992763.2), dbSNP rs2047743679, ClinGen allele CA349428055.
Genomic context (GRCh38, chr2:178,581,515, plus strand): 5'-GATTAATAGGAAAAGCCTTATGTACTCCCCCTGGTAATACTTACTTAAGATGTCCTTGGG[A>C]TAGTGTTTATCTGGCACATCACTGGGGTCACTGTATCCAATCTTATTAACGGCATACACA-3'

ClinVar aggregate classification (germline): Likely pathogenic (1 of 4 stars; one submission).

Conditions:
Dilated cardiomyopathy 1G (CMD1G). Identifiers: Orphanet 154, MedGen C1858763, MONDO:0011400, OMIM 604145.
Hypertrophic cardiomyopathy 9. Also called: Familial hypertrophic cardiomyopathy 9. Identifiers: MedGen C1861065, MONDO:0013412, OMIM 613765.

Submission:

New York Genome Center
Classification: Likely pathogenic for Dilated cardiomyopathy 1G; Hypertrophic cardiomyopathy 9. Last evaluated: 2019-05-30. Review status: criteria provided, single submitter. Criteria: NYGC Assertion Criteria 2020. Collection method: clinical testing. Allele origin: inherited. Affected: yes. Observed: 1 heterozygote. Study: CSER-NYCKidSeq.
Comment: The inherited c.66753T>G (p.Tyr22251Ter) variant leads to the premature termination of the protein at amino acid 22251/35992 (coding exon 316/363). It is absent from gnomAD and ExAC, suggesting it is not a common benign variant in the populations represented in those databases. The variant is absent from ClinVar and to our current knowledge has not been identified in affected individuals in the literature. The Tyr22251 residue is in the A-band of TTN, and nonsense variants within this region are associated with dilated cardiomyopathy [PMID: 22335739; PMID: 26777568]. Given its deleterious nature and its absence in population databases, the inherited c.66753T>G(p.Tyr22251Ter) variant is reported here as Likely Pathogenic.